The following is an entry in ClinVar:

ClinVar aggregate classification (germline): Pathogenic (1 of 4 stars; one submission).

Conditions:
Polycystic kidney disease, adult type (PKD1). Also called: Polycystic Kidney Disease 1, Autosomal Dominant; Polycystic kidney disease 1; Polycystic kidney disease 1, severe; POLYCYSTIC KIDNEY DISEASE 1 WITH OR WITHOUT POLYCYSTIC LIVER DISEASE; POLYCYSTIC KIDNEY DISEASE, ADULT, TYPE I; Polycystic Kidney, Autosomal Dominant. Identifiers: MedGen C3149841, MONDO:0008263, OMIM 173900.

Submission:

Victorian Clinical Genetics Services, Murdoch Childrens Research Institute
Classification: Pathogenic for Polycystic kidney disease, adult type. Last evaluated: 2023-07-17. Review status: criteria provided, single submitter. Criteria: ACMG Guidelines, 2015. Collection method: clinical testing. Allele origin: germline. Inheritance: Autosomal dominant inheritance. Affected: yes.
Comment: Based on the classification scheme VCGS_Germline_v1.3.4, this variant is classified as Pathogenic. Following criteria are met: 0102 - Loss of function is a known mechanism of disease in this gene and is associated with polycystic kidney disease 1 (MIM#173900). (I) 0107 - This gene is associated with autosomal dominant disease. Polycystic kidney disease 1 (MIM#173900) is predominantly caused by monoallelic variants, with rare reports of biallelic variants causing disease (OMIM). (I) 0205 - Variant is predicted to result in a truncated protein (premature termination codon is NOT located at least 54 nucleotides upstream of the final exon-exon junction) with less than 1/3 of the protein sequence affected. (SP) 0251 - This variant is heterozygous. (I) 0301 - Variant is absent from gnomAD (both v2 and v3). (SP) 0600 - Variant affects part of the polycystin cation channel domain (DECIPHER). (I) 0701 - Other truncating variants comparable to the one identified in this case have very strong previous evidence for pathogenicity (DECIPHER). (SP) 0807 - This variant has no previous evidence of pathogenicity. (I) 0905 - No published segregation evidence has been identified for this variant. (I) 1007 - No published functional evidence has been identified for this variant. (I) 1208 - Inheritance information for this variant is not currently available in this individual. (I) Legend: (SP) - Supporting pathogenic, (I) - Information, (SB) - Supporting benign

NM_001009944.3(PKD1):c.12068dup (p.Pro4024fs)

Gene: PKD1 (polycystin 1, transient receptor potential channel interacting; minus strand). Cytogenetic location: 16p13.3.
Variant type: Duplication.
Coding change: c.12068dup on transcript NM_001009944.3 (MANE Select); coding-DNA position 12068, one base duplicated (T; older notation c.12068dupT).
Protein change: p.Pro4024fs; shifts the reading frame from proline 4024.
Molecular consequence: frameshift variant.
Genome position (GRCh38, 1-based): chr16:2,090,744, A duplicated on the plus strand (T on the coding strand, the reverse complement: PKD1 is on the minus strand). VCF-style (leftmost placement, unchanged base first): chr16-2090743-C-CA. GRCh37 (hg19) VCF-style: chr16-2140744-C-CA.
Other names: c.12065dup, p.Pro4023fs (NM_000296.4); c.12068dupT (NM_001009944.2); short protein forms P4023fs, P4024fs.
Identifiers: ClinVar variation 3254841 (VCV003254841.1), dbSNP rs2544593076.